The following is an entry in ClinVar:

ClinVar aggregate classification (germline): Uncertain significance. Review status: criteria provided, multiple submitters, no conflicts (2 of 4 stars). 2 submissions from 2 submitters: Uncertain significance (2). Last evaluated 2022-05-12.

Conditions:
Ichthyosis linearis circumflexa. Identifiers: MedGen C0265962, MONDO:0043106, HP:0025810.

Allele frequency attached by ClinVar (database versions not stated): ExAC 0.00003; gnomAD exomes 0.00003; gnomAD 0.00008; TOPMed 0.00009; 1000 Genomes Project 30x 0.00016; ESP Exome Variant Server 0.00017; 1000 Genomes Project 0.00020.
gnomAD v4.1: 51 of 1,611,402 alleles (0.0032%); highest among the groups gnomAD compares: African/African-American, 0.019%; no homozygotes.

Submissions (2):

Labcorp Genetics (formerly Invitae), Labcorp
Classification: Uncertain significance for Ichthyosis linearis circumflexa. Last evaluated: 2022-05-12. Review status: criteria provided, single submitter. Criteria: Invitae Variant Classification Sherloc (09022015). Collection method: clinical testing. Allele origin: germline.
Comment: This variant is present in population databases (rs376918928, gnomAD 0.02%). This variant has not been reported in the literature in individuals affected with SPINK5-related conditions. Algorithms developed to predict the effect of missense changes on protein structure and function are either unavailable or do not agree on the potential impact of this missense change (SIFT: "Deleterious"; PolyPhen-2: "Probably Damaging"; Align-GVGD: "Class C0"). In summary, the available evidence is currently insufficient to determine the role of this variant in disease. Therefore, it has been classified as a Variant of Uncertain Significance. This sequence change replaces arginine, which is basic and polar, with tryptophan, which is neutral and slightly polar, at codon 636 of the SPINK5 protein (p.Arg636Trp).

Blueprint Genetics
Classification: Uncertain significance. Last evaluated: 2022-04-27. Review status: criteria provided, single submitter. Criteria: ACMG Guidelines, 2015. Collection method: clinical testing. Allele origin: germline.

NM_006846.4(SPINK5):c.1906C>T (p.Arg636Trp)

Gene: SPINK5 (serine peptidase inhibitor Kazal type 5; plus strand). Cytogenetic location: 5q32.
Variant type: single nucleotide variant.
Coding change: c.1906C>T on transcript NM_006846.4 (MANE Select); coding-DNA position 1906, C replaced by T.
Protein change: p.Arg636Trp; replaces arginine 636 with tryptophan.
Molecular consequence: missense variant.
Genome position (GRCh38, 1-based): chr5:148,114,380, C>T. VCF-style: chr5-148114380-C-T. GRCh37 (hg19) VCF-style: chr5-147493943-C-T.
Other names: c.1906C>T, p.Arg636Trp (NM_001127698.2, NM_001127699.2); short protein forms R636W.
Identifiers: ClinVar variation 2715984 (VCV002715984.2), dbSNP rs376918928, ClinGen allele CA3495797.